The following is an entry in ClinVar:

ClinVar aggregate classification (germline): Uncertain significance (1 of 4 stars; one submission).

Conditions:
Leigh syndrome (NULS). Also called: LEIGH SYNDROME, NUCLEAR; Leigh Syndrome (mtDNA deletion); Leigh Disease; Subacute necrotizing encephalopathy; Necrotizing encephalopathy infantile subacute of Leigh; Leigh's syndrome. Identifiers: Orphanet 506, MedGen C2931891, MONDO:0009723, OMIM 256000.

gnomAD v4.1: 2 of 1,614,126 alleles (0.00012%); highest among the groups gnomAD compares: African/African-American, 0.0013%; no homozygotes.

Submission:

Labcorp Genetics (formerly Invitae), Labcorp
Classification: Uncertain significance for Leigh syndrome. Last evaluated: 2022-08-08. Review status: criteria provided, single submitter. Criteria: Invitae Variant Classification Sherloc (09022015). Collection method: clinical testing. Allele origin: germline.
Comment: In summary, the available evidence is currently insufficient to determine the role of this variant in disease. Therefore, it has been classified as a Variant of Uncertain Significance. Algorithms developed to predict the effect of missense changes on protein structure and function are either unavailable or do not agree on the potential impact of this missense change (SIFT: "Tolerated"; PolyPhen-2: "Probably Damaging"; Align-GVGD: "Class C0"). This variant has not been reported in the literature in individuals affected with SURF1-related conditions. This variant is present in population databases (no rsID available, gnomAD 0.02%). This sequence change replaces alanine, which is neutral and non-polar, with proline, which is neutral and non-polar, at codon 234 of the SURF1 protein (p.Ala234Pro).

NM_003172.4(SURF1):c.700G>C (p.Ala234Pro)

Gene: SURF1 (SURF1 cytochrome c oxidase assembly factor; minus strand). Cytogenetic location: 9q34.2.
Variant type: single nucleotide variant.
Coding change: c.700G>C on transcript NM_003172.4 (MANE Select); coding-DNA position 700, G replaced by C.
Protein change: p.Ala234Pro; replaces alanine 234 with proline.
Molecular consequence: missense variant.
Genome position (GRCh38, 1-based): chr9:133,352,497, C>G on the plus strand (G>C on the coding strand, the complement: SURF1 is on the minus strand). VCF-style: chr9-133352497-C-G. GRCh37 (hg19) VCF-style: chr9-136219352-C-G.
Other names: c.373G>C, p.Ala125Pro (NM_001280787.1); short protein forms A125P, A234P.
Identifiers: ClinVar variation 1916879 (VCV001916879.5), dbSNP rs782685543, ClinGen allele CA375693703.
Genomic context (GRCh38, chr9:133,352,497, plus strand): 5'-ACAACGTACGGAAGTTGGCATCAATGAAGATGGGCTCTGCGCCTGTGATTCTGGCCATAG[C>G]TTCCAGGTCTCGATAATGCCAGTGGTTCCTTTCTGGATTGTTCTCAGGGACAAAAGGCTG-3'
Protein context (NP_003163.1, residues 224-244): RNHWHYRDLE[Ala234Pro]MARITGAEPI